The following is an entry in ClinVar:

ClinVar aggregate classification (germline): Pathogenic (1 of 4 stars; one submission).

Conditions:
Developmental and epileptic encephalopathy. Identifiers: MedGen C5779964, MONDO:0100620.

Submission:

Labcorp Genetics (formerly Invitae), Labcorp
Classification: Pathogenic for Early-infantile DEE. Last evaluated: 2022-05-16. Review status: criteria provided, single submitter. Criteria: Invitae Variant Classification Sherloc (09022015). Collection method: clinical testing. Allele origin: germline.
Comment: This variant results in the deletion of part of exon 13 and exons 14-17 (c.1514_*4663del) of the KCNQ2 gene. While this deletion is not anticipated to lead to nonsense mediated decay, it is expected to alter mRNA translation or result in a truncated protein product. This variant has not been reported in the literature in individuals affected with KCNQ2-related conditions. This variant disrupts a region of the KCNQ2 protein in which other variant(s) (p.Lys829Serfs*35) have been determined to be pathogenic (Invitae). This suggests that this is a clinically significant region of the protein, and that variants that disrupt it are likely to be disease-causing. For these reasons, this variant has been classified as Pathogenic.

NC_000020.10:g.(?_62033334)_(62046267_?)del

Gene: KCNQ2 (potassium voltage-gated channel subfamily Q member 2; minus strand). Cytogenetic location: 20q13.33.
Variant type: Deletion.
Identifiers: ClinVar variation 2427482 (VCV002427482.4).